The following is an entry in ClinVar:

ClinVar aggregate classification (germline): Benign (1 of 4 stars; one submission).

Allele frequency attached by ClinVar (database versions not stated): 1000 Genomes Project 30x 0.26031; 1000 Genomes Project 0.26258; TOPMed 0.35241; gnomAD 0.38697 and 0.38773.
gnomAD v4.1: 56,769 of 146,404 alleles (39%); highest among the groups gnomAD compares: Non-Finnish European, 50%; 12,809 homozygotes.

Submission:

GeneDx
Classification: Benign. Last evaluated: 2018-06-16. Review status: criteria provided, single submitter. Criteria: GeneDx Variant Classification (06012015). Collection method: clinical testing. Allele origin: germline. Affected: yes.
Comment: This variant is considered likely benign or benign based on one or more of the following criteria: it is a conservative change, it occurs at a poorly conserved position in the protein, it is predicted to be benign by multiple in silico algorithms, and/or has population frequency not consistent with disease.

NM_016955.4(SEPSECS):c.388+256G>A

Gene: SEPSECS (Sep (O-phosphoserine) tRNA:Sec (selenocysteine) tRNA synthase; minus strand). Cytogenetic location: 4p15.2.
Variant type: single nucleotide variant.
Coding change: c.388+256G>A on transcript NM_016955.4 (MANE Select); 256 bases into the intron after coding-DNA position 388, G replaced by A.
Molecular consequence: intron variant.
Genome position (GRCh38, 1-based): chr4:25,156,600, C>T on the plus strand (G>A on the coding strand, the complement: SEPSECS is on the minus strand). VCF-style: chr4-25156600-C-T. GRCh37 (hg19) VCF-style: chr4-25158222-C-T.
Identifiers: ClinVar variation 669395 (VCV000669395.1), dbSNP rs71610840, ClinGen allele CA11682927.
Genomic context (GRCh38, chr4:25,156,600, plus strand): 5'-CTAAAAATACAAAAAAAAATTAGCCAGGCGTGGCGGTGGGCACCTGTAGTCCCAGCTGCT[C>T]GGGAGGCTGAGGCAGGAGAATGGCGTGAACCCGGGAGACGGAGCTTGCAGTGAGCCGAGA-3'